The following is an entry in ClinVar:

NM_058216.3(RAD51C):c.649A>C (p.Thr217Pro)

Genes: RAD51C (RAD51 paralog C; plus strand), LOC129390903 (MPRA-validated peak2919 silencer; plus strand). Cytogenetic location: 17q22.
Variant type: single nucleotide variant.
Coding change: c.649A>C on transcript NM_058216.3 (MANE Select); coding-DNA position 649, A replaced by C.
Protein change: p.Thr217Pro; replaces threonine 217 with proline.
Molecular consequence: missense variant. On other transcripts: non-coding transcript variant (1).
Genome position (GRCh38, 1-based): chr17:58,703,273, A>C. VCF-style: chr17-58703273-A-C. GRCh37 (hg19) VCF-style: chr17-56780634-A-C.
Other names: c.*77A>C (NM_058217.1); short protein forms T217P.
Identifiers: ClinVar variation 2713370 (VCV002713370.5), dbSNP rs1555597189, ClinGen allele CA400349649.

ClinVar aggregate classification (germline): Conflicting classifications of pathogenicity. Review status: criteria provided, conflicting classifications (1 of 4 stars). 2 submissions from 2 submitters: Uncertain significance (1); Likely benign (1). Last evaluated 2025-10-17.

Conditions:
Hereditary cancer-predisposing syndrome. Also called: Neoplastic Syndromes, Hereditary; Hereditary neoplastic syndrome; Tumor predisposition; Hereditary Cancer Syndrome. Identifiers: Orphanet 140162, MedGen C0027672, MeSH D009386, MONDO:0015356.
Fanconi anemia complementation group O. Also called: RAD51C-Related Fanconi Anemia. Identifiers: Orphanet 84, MedGen C3150653, MONDO:0013248, OMIM 613390.

Allele frequency attached by ClinVar (database versions not stated): gnomAD exomes below 0.00001.
gnomAD v4.1: 1 of 1,610,190 alleles (0.000062%); highest among the groups gnomAD compares: Non-Finnish European, 0.000085%; no homozygotes.

Submissions (2):

Ambry Genetics
Classification: Likely benign for Hereditary cancer-predisposing syndrome. Last evaluated: 2025-10-17. Review status: criteria provided, single submitter. Criteria: Ambry Variant Classification Scheme 2023. Collection method: clinical testing. Allele origin: germline.

Labcorp Genetics (formerly Invitae), Labcorp
Classification: Uncertain significance for Fanconi anemia complementation group O. Last evaluated: 2025-06-04. Review status: criteria provided, single submitter. Criteria: Invitae Variant Classification Sherloc (09022015). Collection method: clinical testing. Allele origin: germline.
Comment: This sequence change replaces threonine, which is neutral and polar, with proline, which is neutral and non-polar, at codon 217 of the RAD51C protein (p.Thr217Pro). This variant is not present in population databases (gnomAD no frequency). This variant has not been reported in the literature in individuals affected with RAD51C-related conditions. ClinVar contains an entry for this variant (Variation ID: 2713370). Invitae Evidence Modeling of protein sequence and biophysical properties (such as structural, functional, and spatial information, amino acid conservation, physicochemical variation, residue mobility, and thermodynamic stability) indicates that this missense variant is not expected to disrupt RAD51C protein function with a negative predictive value of 80%. In summary, the available evidence is currently insufficient to determine the role of this variant in disease. Therefore, it has been classified as a Variant of Uncertain Significance.